The following is an entry in ClinVar:

NM_130839.5(UBE3A):c.2446G>A (p.Gly816Arg)

Genes: SNHG14 (small nucleolar RNA host gene 14; plus strand), UBE3A (ubiquitin protein ligase E3A; minus strand). Cytogenetic location: 15q11.2.
Variant type: single nucleotide variant.
Coding change: c.2446G>A on transcript NM_130839.5 (MANE Select); coding-DNA position 2446, G replaced by A.
Protein change: p.Gly816Arg; replaces glycine 816 with arginine.
Molecular consequence: missense variant. On other transcripts: non-coding transcript variant (1).
Genome position (GRCh38, 1-based): chr15:25,340,137, C>T on the plus strand (G>A on the coding strand, the complement: UBE3A is on the minus strand). VCF-style: chr15-25340137-C-T. GRCh37 (hg19) VCF-style: chr15-25585284-C-T.
Other names: c.2455G>A, p.Gly819Arg (NM_000462.5); c.2446G>A, p.Gly816Arg (NM_001354505.1, NM_001354538.2); c.2386G>A, p.Gly796Arg (NM_001354506.2, NM_001354507.2, NM_001354508.2 and 14 more transcripts); c.2290G>A, p.Gly764Arg (NM_001354545.2); c.2269G>A, p.Gly757Arg (NM_001354546.2); c.2230G>A, p.Gly744Arg (NM_001354547.2, NM_001354548.2); c.2221G>A, p.Gly741Arg (NM_001354549.2); c.1195G>A, p.Gly399Arg (NM_001354550.2); and 1 more; short protein forms G379R, G399R, G741R, G744R, G757R, G764R, G796R, G816R.
Identifiers: ClinVar variation 3337725 (VCV003337725.2).

ClinVar aggregate classification (germline): Uncertain significance. Review status: criteria provided, multiple submitters, no conflicts (2 of 4 stars). 2 submissions from 2 submitters: Uncertain significance (2). Last evaluated 2025-07-25.

Submissions (2):

GeneDx
Classification: Uncertain significance. Last evaluated: 2025-07-25. Review status: criteria provided, single submitter. Criteria: GeneDx Variant Classification Process June 2021. Collection method: clinical testing. Allele origin: germline. Affected: yes.
Comment: Not observed at significant frequency in large population cohorts (gnomAD); In silico analysis supports that this missense variant has a deleterious effect on protein structure/function; Has not been previously published as pathogenic or benign to our knowledge

Clinical Genetics Laboratory, Skane University Hospital Lund
Classification: Uncertain significance. Last evaluated: 2023-05-26. Review status: criteria provided, single submitter. Criteria: ACMG Guidelines, 2015. Collection method: clinical testing. Allele origin: germline. Affected: yes.